The following is an entry in ClinVar:

ClinVar aggregate classification (germline): Likely pathogenic (1 of 4 stars; one submission).

Conditions:
Glycogen storage disease IXb (GSD9B). Also called: GLYCOGENOSIS OF LIVER AND MUSCLE, AUTOSOMAL RECESSIVE; GSD IXb; PHOSPHORYLASE KINASE DEFICIENCY OF LIVER AND MUSCLE, AUTOSOMAL RECESSIVE. Identifiers: Orphanet 79240, MedGen C0543514, MONDO:0009868, OMIM 261750.

Submission:

Labcorp Genetics (formerly Invitae), Labcorp
Classification: Likely pathogenic for Glycogen storage disease IXb. Last evaluated: 2024-02-23. Review status: criteria provided, single submitter. Criteria: Invitae Variant Classification Sherloc (09022015). Collection method: clinical testing. Allele origin: germline.
Comment: This sequence change affects a donor splice site in intron 9 of the PHKB gene. It is expected to disrupt RNA splicing. Variants that disrupt the donor or acceptor splice site typically lead to a loss of protein function (PMID: 16199547), and loss-of-function variants in PHKB are known to be pathogenic (PMID: 9215682, 9326319). This variant is not present in population databases (gnomAD no frequency). This variant has not been reported in the literature in individuals affected with PHKB-related conditions. Algorithms developed to predict the effect of sequence changes on RNA splicing suggest that this variant may disrupt the consensus splice site. In summary, the currently available evidence indicates that the variant is pathogenic, but additional data are needed to prove that conclusively. Therefore, this variant has been classified as Likely Pathogenic.

Literature cited by the submitters: PubMed 16199547; PubMed 9215682; PubMed 9326319.

NM_000293.3(PHKB):c.870+1G>T

Gene: PHKB (phosphorylase kinase regulatory subunit beta; plus strand). Cytogenetic location: 16q12.1.
Variant type: single nucleotide variant.
Coding change: c.870+1G>T on transcript NM_000293.3 (MANE Select); the canonical splice donor site of the intron after coding-DNA position 870, G replaced by T.
Molecular consequence: splice donor variant.
Genome position (GRCh38, 1-based): chr16:47,587,764, G>T. VCF-style: chr16-47587764-G-T. GRCh37 (hg19) VCF-style: chr16-47621675-G-T.
Other names: c.870+1G>T (NM_001363837.1); c.849+1G>T (NM_001031835.3).
Identifiers: ClinVar variation 3696936 (VCV003696936.2).